The following is an entry in ClinVar:

ClinVar aggregate classification (germline): Pathogenic. Review status: criteria provided, single submitter (1 of 4 stars). 2 submissions from 2 submitters: Pathogenic (1). 1 of the submissions does not count toward it. Last evaluated 2023-02-21.

Conditions:
Maple syrup urine disease type 1A (MSUD1A). Also called: MSUD type 1A. Identifiers: MedGen C1855369, MONDO:0023691, OMIM 248600.
Maple syrup urine disease (MSUD). Identifiers: Orphanet 511, MedGen C0024776, MeSH D008375, MONDO:0009563. Disease mechanism: loss of function.

Submissions (2):

Labcorp Genetics (formerly Invitae), Labcorp
Classification: Pathogenic for Maple syrup urine disease. Last evaluated: 2023-02-21. Review status: criteria provided, single submitter. Criteria: Invitae Variant Classification Sherloc (09022015). Collection method: clinical testing. Allele origin: germline.
Comment: For these reasons, this variant has been classified as Pathogenic. ClinVar contains an entry for this variant (Variation ID: 370540). This variant has not been reported in the literature in individuals affected with BCKDHB-related conditions. This variant is not present in population databases (gnomAD no frequency). This sequence change creates a premature translational stop signal (p.Tyr244Thrfs*10) in the BCKDHB gene. It is expected to result in an absent or disrupted protein product. Loss-of-function variants in BCKDHB are known to be pathogenic (PMID: 16786533, 22593002).

Counsyl
Classification: Likely pathogenic for Maple syrup urine disease type 1A. Last evaluated: 2016-02-25. Review status: no assertion criteria provided. Collection method: clinical testing. Allele origin: unknown. Not counted in ClinVar's aggregate classification.

Literature cited by the submitters: PubMed 16786533 (cited by Labcorp Genetics (formerly Invitae), Labcorp); PubMed 22593002 (cited by Labcorp Genetics (formerly Invitae), Labcorp).

NM_183050.4(BCKDHB):c.730del (p.Tyr244fs)

Gene: BCKDHB (branched chain keto acid dehydrogenase E1 subunit beta; plus strand). Cytogenetic location: 6q14.1.
Variant type: Deletion.
Coding change: c.730del on transcript NM_183050.4 (MANE Select); coding-DNA position 730, one base deleted (T; older notation c.730delT).
Protein change: p.Tyr244fs; shifts the reading frame from tyrosine 244.
Molecular consequence: frameshift variant. On other transcripts: non-coding transcript variant (1).
Genome position (GRCh38, 1-based): chr6:80,171,378, T deleted; the last of 3 consecutive T bases (chr6:80,171,376-80,171,378); deleting any one gives the same sequence. VCF-style (leftmost placement, unchanged base first): chr6-80171375-CT-C. GRCh37 (hg19) VCF-style: chr6-80881092-CT-C.
Other names: c.730del, p.Tyr244fs (NM_000056.5); c.520del, p.Tyr174fs (NM_001318975.1); short protein forms Y174fs, Y244fs.
Identifiers: ClinVar variation 370540 (VCV000370540.8), dbSNP rs1057516572, ClinGen allele CA16041096.